The following is an entry in ClinVar:

NM_030962.4(SBF2):c.3140C>T (p.Ala1047Val)

Genes: SBF2 (SET binding factor 2; minus strand), LOC101928008 (uncharacterized LOC101928008; plus strand). Cytogenetic location: 11p15.4.
Variant type: single nucleotide variant.
Coding change: c.3140C>T on transcript NM_030962.4 (MANE Select); coding-DNA position 3140, C replaced by T.
Protein change: p.Ala1047Val; replaces alanine 1047 with valine.
Molecular consequence: missense variant.
Genome position (GRCh38, 1-based): chr11:9,842,741, G>A on the plus strand (C>T on the coding strand, the complement: SBF2 is on the minus strand). VCF-style: chr11-9842741-G-A. GRCh37 (hg19) VCF-style: chr11-9864288-G-A.
Other names: c.3140C>T, p.Ala1047Val (NM_001386339.1); c.3011C>T, p.Ala1004Val (NM_001386342.1); c.3176C>T, p.Ala1059Val (NM_001424318.1, NM_001425069.1, NM_001425070.1); short protein forms A1059V, A1004V, A1047V.
Identifiers: ClinVar variation 3719346 (VCV003719346.1).

ClinVar aggregate classification (germline): Uncertain significance (1 of 4 stars; one submission).

Conditions:
Charcot-Marie-Tooth disease type 4. Also called: Charcot-Marie-Tooth, Type 4; Charcot-Marie-Tooth disease, type IV. Identifiers: Orphanet 64749, MedGen C4082197, MONDO:0018995.

gnomAD v4.1: 2 of 1,613,854 alleles (0.00012%); highest among the groups gnomAD compares: Non-Finnish European, 0.00017%; no homozygotes.

Submission:

Labcorp Genetics (formerly Invitae), Labcorp
Classification: Uncertain significance for Charcot-Marie-Tooth disease type 4. Last evaluated: 2024-08-04. Review status: criteria provided, single submitter. Criteria: Invitae Variant Classification Sherloc (09022015). Collection method: clinical testing. Allele origin: germline.
Comment: This sequence change replaces alanine, which is neutral and non-polar, with valine, which is neutral and non-polar, at codon 1047 of the SBF2 protein (p.Ala1047Val). This variant is not present in population databases (gnomAD no frequency). This variant has not been reported in the literature in individuals affected with SBF2-related conditions. Advanced modeling of protein sequence and biophysical properties (such as structural, functional, and spatial information, amino acid conservation, physicochemical variation, residue mobility, and thermodynamic stability) performed at Invitae indicates that this missense variant is not expected to disrupt SBF2 protein function with a negative predictive value of 80%. In summary, the available evidence is currently insufficient to determine the role of this variant in disease. Therefore, it has been classified as a Variant of Uncertain Significance.